The following is an entry in ClinVar:

ClinVar aggregate classification (germline): Pathogenic (1 of 4 stars; one submission).

Conditions:
Joubert syndrome. Also called: JOUBERT-BOLTSHAUSER SYNDROME; Familial aplasia of the vermis. Identifiers: Orphanet 475, MedGen C5979921, MONDO:0018772.
Meckel-Gruber syndrome. Also called: DYSENCEPHALIA SPLANCHNOCYSTICA; GRUBER SYNDROME; Dysencephalia splachnocystica. Identifiers: Orphanet 564, MedGen C0265215, MONDO:0018921.

Submission:

Labcorp Genetics (formerly Invitae), Labcorp
Classification: Pathogenic for Joubert syndrome; Meckel-Gruber syndrome. Last evaluated: 2022-08-21. Review status: criteria provided, single submitter. Criteria: Invitae Variant Classification Sherloc (09022015). Collection method: clinical testing. Allele origin: germline.
Comment: Algorithms developed to predict the effect of sequence changes on RNA splicing suggest that this variant may disrupt the consensus splice site. For these reasons, this variant has been classified as Pathogenic. This variant has not been reported in the literature in individuals affected with CC2D2A-related conditions. This variant is not present in population databases (gnomAD no frequency). This sequence change creates a premature translational stop signal (p.Gln1274*) in the CC2D2A gene. It is expected to result in an absent or disrupted protein product. Loss-of-function variants in CC2D2A are known to be pathogenic (PMID: 19777577).

Literature cited by the submitters: PubMed 19777577.

NM_001378615.1(CC2D2A):c.3820C>T (p.Gln1274Ter)

Genes: FBXL5 (F-box and leucine rich repeat protein 5; minus strand), CC2D2A (coiled-coil and C2 domain containing 2A; plus strand). Cytogenetic location: 4p15.32.
Variant type: single nucleotide variant.
Coding change: c.3820C>T on transcript NM_001378615.1 (MANE Select); coding-DNA position 3820, C replaced by T.
Protein change: p.Gln1274Ter; replaces glutamine 1274 with a stop codon.
Molecular consequence: nonsense.
Genome position (GRCh38, 1-based): chr4:15,580,016, C>T. VCF-style: chr4-15580016-C-T. GRCh37 (hg19) VCF-style: chr4-15581639-C-T.
Other names: c.3820C>T, p.Gln1274Ter (NM_001080522.2); c.3673C>T, p.Gln1225Ter (NM_001378617.1); short protein forms Q1225*, Q1274*.
Identifiers: ClinVar variation 2025640 (VCV002025640.4), dbSNP rs2475106059, ClinGen allele CA356425678.